The following is an entry in ClinVar:

NM_000069.3(CACNA1S):c.1658T>A (p.Leu553His)

Gene: CACNA1S (calcium voltage-gated channel subunit alpha1 S; minus strand). Cytogenetic location: 1q32.1.
Variant type: single nucleotide variant.
Coding change: c.1658T>A on transcript NM_000069.3 (MANE Select); coding-DNA position 1658, T replaced by A.
Protein change: p.Leu553His; replaces leucine 553 with histidine.
Molecular consequence: missense variant.
Genome position (GRCh38, 1-based): chr1:201,077,089, A>T on the plus strand (T>A on the coding strand, the complement: CACNA1S is on the minus strand). VCF-style: chr1-201077089-A-T. GRCh37 (hg19) VCF-style: chr1-201046217-A-T.
Other names: short protein forms L553H.
Identifiers: ClinVar variation 3069412 (VCV003069412.2), dbSNP rs754217097, ClinGen allele CA078503.

ClinVar aggregate classification (germline): Uncertain significance (1 of 4 stars; one submission).

Conditions:
Malignant hyperthermia, susceptibility to, 5 (MHS5). Also called: CACNA1S-Related Malignant Hyperthermia Susceptibility. Identifiers: Orphanet 423, MedGen C1866077, MONDO:0011163, OMIM 601887.

Allele frequency attached by ClinVar (database versions not stated): TOPMed below 0.00001; ExAC 0.00001; gnomAD exomes 0.00001.
gnomAD v4.1: 5 of 1,614,168 alleles (0.00031%); highest among the groups gnomAD compares: Non-Finnish European, 0.00042%; no homozygotes.

Submission:

All of Us Research Program, National Institutes of Health
Classification: Uncertain significance for Malignant hyperthermia, susceptibility to, 5. Last evaluated: 2024-02-08. Review status: criteria provided, single submitter. Criteria: ACMG Guidelines, 2015. Collection method: clinical testing. Allele origin: germline. Inheritance: Autosomal dominant inheritance. Observed: 2 variant alleles, 2 heterozygotes.
Comment: This study involves interpretation of variants in research participants for the purpose of population health screening. Participant phenotype was not available at the time of variant classification. Additional details can be found in publication PMID: 35346344, PMCID: PMC8962531